The following is an entry in ClinVar:

ClinVar aggregate classification (germline): Benign/Likely benign. Review status: criteria provided, multiple submitters, no conflicts (2 of 4 stars). 3 submissions from 3 submitters: Benign (2); Likely benign (1). Last evaluated 2023-05-15.

Allele frequency attached by ClinVar (database versions not stated): gnomAD exomes 0.00864 and 0.00977; 1000 Genomes Project 0.00319; 1000 Genomes Project 30x 0.00328; ESP Exome Variant Server 0.00853; ExAC 0.00867; gnomAD 0.00881 and 0.00890; TOPMed 0.01012.
gnomAD v4.1: 15,627 of 1,610,172 alleles (0.97%); highest among the groups gnomAD compares: Middle Eastern, 2.8%; 115 homozygotes.

Submissions (3):

Mayo Clinic Laboratories, Mayo Clinic
Classification: Benign. Last evaluated: 2023-05-15. Review status: criteria provided, single submitter. Criteria: ACMG Guidelines, 2015. Collection method: clinical testing. Allele origin: germline. Observed: 6 variant alleles.
Comment: BS1, BS2

Genetic Services Laboratory, University of Chicago
Classification: Benign. Last evaluated: 2021-03-30. Review status: criteria provided, single submitter. Criteria: ACMG Guidelines, 2015. Collection method: clinical testing. Allele origin: germline. Affected: no.

Breakthrough Genomics
Classification: Likely benign. Review status: criteria provided, single submitter. Criteria: ACMG Guidelines, 2015. Collection method: not provided. Allele origin: germline. Inheritance: Autosomal dominant inheritance. Affected: yes.

NM_001626.6(AKT2):c.*9C>T

Gene: AKT2 (AKT serine/threonine kinase 2; minus strand). Cytogenetic location: 19q13.2.
Variant type: single nucleotide variant.
Coding change: c.*9C>T on transcript NM_001626.6 (MANE Select); 9 bases downstream of the stop codon, C replaced by T.
Molecular consequence: 3 prime UTR variant.
Genome position (GRCh38, 1-based): chr19:40,233,863, G>A on the plus strand (C>T on the coding strand, the complement: AKT2 is on the minus strand). VCF-style: chr19-40233863-G-A. GRCh37 (hg19) VCF-style: chr19-40739770-G-A.
Other names: c.*9C>T (NM_001243027.3, NM_001243028.3, NM_001330511.1).
Identifiers: ClinVar variation 1338691 (VCV001338691.6), dbSNP rs79275829, ClinGen allele CA9441410.